The following is an entry in ClinVar:

ClinVar aggregate classification (germline): Uncertain significance (1 of 4 stars; one submission).

Allele frequency attached by ClinVar (database versions not stated): gnomAD exomes below 0.00001.

Submission:

Labcorp Genetics (formerly Invitae), Labcorp
Classification: Uncertain significance. Last evaluated: 2021-12-08. Review status: criteria provided, single submitter. Criteria: Invitae Variant Classification Sherloc (09022015). Collection method: clinical testing. Allele origin: germline.
Comment: This sequence change replaces serine, which is neutral and polar, with arginine, which is basic and polar, at codon 3260 of the CDH23 protein (p.Ser3260Arg). This variant is not present in population databases (gnomAD no frequency). This variant has not been reported in the literature in individuals affected with CDH23-related conditions. Algorithms developed to predict the effect of missense changes on protein structure and function are either unavailable or do not agree on the potential impact of this missense change (SIFT: "Deleterious"; PolyPhen-2: "Not Available"; Align-GVGD: "Class C0"). In summary, the available evidence is currently insufficient to determine the role of this variant in disease. Therefore, it has been classified as a Variant of Uncertain Significance.

NM_022124.6(CDH23):c.9780C>A (p.Ser3260Arg)

Gene: CDH23 (cadherin related 23; plus strand). Cytogenetic location: 10q22.1.
Variant type: single nucleotide variant.
Coding change: c.9780C>A on transcript NM_022124.6 (MANE Select); coding-DNA position 9780, C replaced by A.
Protein change: p.Ser3260Arg; replaces serine 3260 with arginine.
Molecular consequence: missense variant.
Genome position (GRCh38, 1-based): chr10:71,814,993, C>A. VCF-style: chr10-71814993-C-A. GRCh37 (hg19) VCF-style: chr10-73574750-C-A.
Other names: c.3060C>A, p.Ser1020Arg (NM_001171933.1); c.2955C>A, p.Ser985Arg (NM_001171934.1); c.471C>A, p.Ser157Arg (NM_001171935.1); c.366C>A, p.Ser122Arg (NM_001171936.1); short protein forms S985R, S122R, S1020R, S157R, S3260R.
Identifiers: ClinVar variation 2037135 (VCV002037135.1), dbSNP rs2494474692, ClinGen allele CA377137944.
Genomic context (GRCh38, chr10:71,814,993, plus strand): 5'-GGGTCCCGGCCTCTTGCAGCTGATACAGACTGAGCTGGACGAGGAGCCAGGAGACCACAG[C>A]CCAGGGCAGGGTAGCCTGCGCTTCCGCCACAAGCCACCAGTGGAGCTCAAGGGGCCCGAT-3'
Protein context (NP_071407.4, residues 3250-3270): TELDEEPGDH[Ser3260Arg]PGQGSLRFRH